The following is an entry in ClinVar:

ClinVar aggregate classification (germline): Uncertain significance (1 of 4 stars; one submission).

Conditions:
Inborn genetic diseases. Identifiers: MedGen C0950123, MeSH D030342.

gnomAD v4.1: 3 of 1,614,134 alleles (0.00019%); highest among the groups gnomAD compares: African/African-American, 0.004%; no homozygotes.

Submission:

Ambry Genetics
Classification: Uncertain significance for Inborn genetic diseases. Last evaluated: 2026-02-21. Review status: criteria provided, single submitter. Criteria: Ambry Variant Classification Scheme 2023. Collection method: clinical testing. Allele origin: germline.
Comment: The p.H85L variant (also known as c.254A>T), located in coding exon 1 of the SAMD9L gene, results from an A to T substitution at nucleotide position 254. The histidine at codon 85 is replaced by leucine, an amino acid with similar properties. This amino acid position is conserved. In addition, this alteration is predicted to be tolerated by in silico analysis. Based on the available evidence, the clinical significance of this variant remains unclear.

NM_152703.5(SAMD9L):c.254A>T (p.His85Leu)

Gene: SAMD9L (sterile alpha motif domain containing 9 like; minus strand). Cytogenetic location: 7q21.2.
Variant type: single nucleotide variant.
Coding change: c.254A>T on transcript NM_152703.5 (MANE Select); coding-DNA position 254, A replaced by T.
Protein change: p.His85Leu; replaces histidine 85 with leucine.
Molecular consequence: missense variant.
Genome position (GRCh38, 1-based): chr7:93,135,718, T>A on the plus strand (A>T on the coding strand, the complement: SAMD9L is on the minus strand). VCF-style: chr7-93135718-T-A. GRCh37 (hg19) VCF-style: chr7-92765031-T-A.
Other names: c.254A>T, p.His85Leu (NM_001303496.3, NM_001303497.3, NM_001303498.3 and 5 more transcripts); short protein forms H85L.
Identifiers: ClinVar variation 4844839 (VCV004844839.1).